The following is an entry in ClinVar:

NM_001372044.2(SHANK3):c.492G>A (p.Glu164=)

Gene: SHANK3 (SH3 and multiple ankyrin repeat domains 3; plus strand). Cytogenetic location: 22q13.33.
Variant type: single nucleotide variant.
Coding change: c.492G>A on transcript NM_001372044.2 (MANE Select); coding-DNA position 492, G replaced by A.
Protein change: p.Glu164=; no amino-acid change (glutamic acid 164 retained).
Molecular consequence: synonymous variant.
Genome position (GRCh38, 1-based): chr22:50,675,251, G>A. VCF-style: chr22-50675251-G-A. GRCh37 (hg19) VCF-style: chr22-51113679-G-A.
Other names: c.267G>A, p.Glu89= (NM_033517.1).
Identifiers: ClinVar variation 588820 (VCV000588820.5), dbSNP rs1377264220, ClinGen allele CA515251576.

ClinVar aggregate classification (germline): Uncertain significance (1 of 4 stars; one submission).

Conditions:
Inborn genetic diseases. Identifiers: MedGen C0950123, MeSH D030342.

Allele frequency attached by ClinVar (database versions not stated): gnomAD 0.00001; gnomAD exomes 0.00001 and 0.00002; TOPMed 0.00003.

Submission:

Ambry Genetics
Classification: Uncertain significance for Inborn genetic diseases. Last evaluated: 2017-02-21. Review status: criteria provided, single submitter. Criteria: Ambry Variant Classification Scheme 2023. Collection method: clinical testing. Allele origin: germline.
Comment: The c.267G>A variant (also known as p.E89E), located in coding exon 2 of the SHANK3 gene, results from a G to A substitution at nucleotide position 267. This nucleotide substitution does not change the at codon 89. However, this change occurs in the last base pair of coding exon 2, which makes it likely to have some effect on normal mRNA splicing. This nucleotide position is highly conserved in available vertebrate species. Using two different splice site prediction tools, this alteration is predicted by ESEfinder to weaken the efficiency of the native splice donor site, but is not predicted to have a deleterious effect on this splice donor site by BDGP; however, direct evidence is unavailable. Since supporting evidence is limited at this time, the clinical significance of this alteration remains unclear.